The following is an entry in ClinVar:

NM_002691.4(POLD1):c.1375A>C (p.Met459Leu)

Gene: POLD1 (DNA polymerase delta 1, catalytic subunit; plus strand). Cytogenetic location: 19q13.33.
Variant type: single nucleotide variant.
Coding change: c.1375A>C on transcript NM_002691.4 (MANE Select); coding-DNA position 1375, A replaced by C.
Protein change: p.Met459Leu; replaces methionine 459 with leucine.
Molecular consequence: missense variant. On other transcripts: non-coding transcript variant (1).
Genome position (GRCh38, 1-based): chr19:50,406,314, A>C. VCF-style: chr19-50406314-A-C. GRCh37 (hg19) VCF-style: chr19-50909571-A-C.
Other names: c.1375A>C, p.Met459Leu (NM_001256849.1, NM_001308632.1); short protein forms M459L.
Identifiers: ClinVar variation 1018820 (VCV001018820.7), dbSNP rs774331018, ClinGen allele CA406979980.

ClinVar aggregate classification (germline): Uncertain significance (1 of 4 stars; one submission).

Conditions:
Hereditary cancer-predisposing syndrome. Also called: Tumor predisposition; Neoplastic Syndromes, Hereditary; Hereditary neoplastic syndrome; Hereditary Cancer Syndrome. Identifiers: Orphanet 140162, MedGen C0027672, MeSH D009386, MONDO:0015356.

Submission:

Ambry Genetics
Classification: Uncertain significance for Hereditary cancer-predisposing syndrome. Last evaluated: 2024-08-10. Review status: criteria provided, single submitter. Criteria: Ambry Variant Classification Scheme 2023. Collection method: clinical testing. Allele origin: germline.
Comment: The p.M459L variant (also known as c.1375A>C), located in coding exon 10 of the POLD1 gene, results from an A to C substitution at nucleotide position 1375. The methionine at codon 459 is replaced by leucine, an amino acid with highly similar properties. This amino acid position is not well conserved in available vertebrate species. In addition, this alteration is predicted to be tolerated by in silico analysis. Since supporting evidence is limited at this time, the clinical significance of this alteration remains unclear.